The following is an entry in ClinVar:

NM_001430.5(EPAS1):c.2308A>T (p.Met770Leu)

Gene: EPAS1 (endothelial PAS domain protein 1; plus strand). Cytogenetic location: 2p21.
Variant type: single nucleotide variant.
Coding change: c.2308A>T on transcript NM_001430.5 (MANE Select); coding-DNA position 2308, A replaced by T.
Protein change: p.Met770Leu; replaces methionine 770 with leucine.
Molecular consequence: missense variant.
Genome position (GRCh38, 1-based): chr2:46,382,445, A>T. VCF-style: chr2-46382445-A-T. GRCh37 (hg19) VCF-style: chr2-46609584-A-T.
Other names: short protein forms M770L.
Identifiers: ClinVar variation 1789380 (VCV001789380.2), dbSNP rs2546480744, ClinGen allele CA346705992.
Genomic context (GRCh38, chr2:46,382,445, plus strand): 5'-AGGCCAATGCTACCGTCACTCTCTGACTTTGGTCTTTCAGATAAGTTCACCCAAAACCCC[A>T]TGAGGGGCCTGGGCCATCCCCTGAGACATCTGCCGCTGCCACAGCCTCCATCTGCCATCA-3'
Protein context (NP_001421.2, residues 760-780): VPNDKFTQNP[Met770Leu]RGLGHPLRHL

ClinVar aggregate classification (germline): Uncertain significance (1 of 4 stars; one submission).

Conditions:
Inborn genetic diseases. Identifiers: MedGen C0950123, MeSH D030342.

Submission:

Ambry Genetics
Classification: Uncertain significance for Inborn genetic diseases. Last evaluated: 2021-08-11. Review status: criteria provided, single submitter. Criteria: Ambry Variant Classification Scheme 2023. Collection method: clinical testing. Allele origin: germline.
Comment: The p.M770L variant (also known as c.2308A>T), located in coding exon 15 of the EPAS1 gene, results from an A to T substitution at nucleotide position 2308. The methionine at codon 770 is replaced by leucine, an amino acid with highly similar properties. This amino acid position is conserved. In addition, this alteration is predicted to be tolerated by in silico analysis. Since supporting evidence is limited at this time, the clinical significance of this alteration remains unclear.